The following is an entry in ClinVar:

ClinVar aggregate classification (germline): Uncertain significance (1 of 4 stars; one submission).

Conditions:
CHARGE syndrome (CHARGE). Also called: Hittner Hirsch Kreh syndrome; CHARGE ASSOCIATION--COLOBOMA, HEART ANOMALY, CHOANAL ATRESIA, RETARDATION, GENITAL AND EAR ANOMALIES; Coloboma, heart anomaly, choanal atresia, retardation, genital and ear anomalies; CHARGE association; Hall-Hittner syndrome. Identifiers: Orphanet 138, MedGen C0265354, MONDO:0008965.

Submission:

Labcorp Genetics (formerly Invitae), Labcorp
Classification: Uncertain significance for CHARGE syndrome. Last evaluated: 2024-12-02. Review status: criteria provided, single submitter. Criteria: Invitae Variant Classification Sherloc (09022015). Collection method: clinical testing. Allele origin: germline.
Comment: This sequence change replaces arginine, which is basic and polar, with glycine, which is neutral and non-polar, at codon 459 of the CHD7 protein (p.Arg459Gly). This variant is not present in population databases (gnomAD no frequency). This variant has not been reported in the literature in individuals affected with CHD7-related conditions. Invitae Evidence Modeling of protein sequence and biophysical properties (such as structural, functional, and spatial information, amino acid conservation, physicochemical variation, residue mobility, and thermodynamic stability) indicates that this missense variant is not expected to disrupt CHD7 protein function with a negative predictive value of 95%. In summary, the available evidence is currently insufficient to determine the role of this variant in disease. Therefore, it has been classified as a Variant of Uncertain Significance.

NM_017780.4(CHD7):c.1375C>G (p.Arg459Gly)

Gene: CHD7 (chromodomain helicase DNA binding protein 7; plus strand). Cytogenetic location: 8q12.2.
Variant type: single nucleotide variant.
Coding change: c.1375C>G on transcript NM_017780.4 (MANE Select); coding-DNA position 1375, C replaced by G.
Protein change: p.Arg459Gly; replaces arginine 459 with glycine.
Molecular consequence: missense variant.
Genome position (GRCh38, 1-based): chr8:60,742,807, C>G. VCF-style: chr8-60742807-C-G. GRCh37 (hg19) VCF-style: chr8-61655366-C-G.
Other names: c.1375C>G, p.Arg459Gly (NM_001316690.1); short protein forms R459G.
Identifiers: ClinVar variation 3637088 (VCV003637088.2).